The following is an entry in ClinVar:

NM_004795.4(KL):c.1987G>A (p.Ala663Thr)

Gene: KL (klotho; plus strand). Cytogenetic location: 13q13.1.
Variant type: single nucleotide variant.
Coding change: c.1987G>A on transcript NM_004795.4 (MANE Select); coding-DNA position 1987, G replaced by A.
Protein change: p.Ala663Thr; replaces alanine 663 with threonine.
Molecular consequence: missense variant.
Genome position (GRCh38, 1-based): chr13:33,061,066, G>A. VCF-style: chr13-33061066-G-A. GRCh37 (hg19) VCF-style: chr13-33635203-G-A.
Other names: c.1987G>A (NM_004795.3); short protein forms A663T.
Identifiers: ClinVar variation 1493127 (VCV001493127.10), dbSNP rs763374333, ClinGen allele CA6944223.

ClinVar aggregate classification (germline): Uncertain significance. Review status: criteria provided, multiple submitters, no conflicts (2 of 4 stars). 2 submissions from 2 submitters: Uncertain significance (2). Last evaluated 2024-07-10.

Allele frequency attached by ClinVar (database versions not stated): TOPMed 0.00002; gnomAD 0.00004 and 0.00005; ExAC 0.00011; gnomAD exomes 0.00014.
gnomAD v4.1: 128 of 1,612,864 alleles (0.0079%); highest among the groups gnomAD compares: South Asian, 0.079%; no homozygotes.

Submissions (2):

Labcorp Genetics (formerly Invitae), Labcorp
Classification: Uncertain significance. Last evaluated: 2024-07-10. Review status: criteria provided, single submitter. Criteria: Invitae Variant Classification Sherloc (09022015). Collection method: clinical testing. Allele origin: germline.
Comment: This sequence change replaces alanine, which is neutral and non-polar, with threonine, which is neutral and polar, at codon 663 of the KL protein (p.Ala663Thr). This variant is present in population databases (rs763374333, gnomAD 0.08%), and has an allele count higher than expected for a pathogenic variant. This variant has not been reported in the literature in individuals affected with KL-related conditions. ClinVar contains an entry for this variant (Variation ID: 1493127). Advanced modeling of protein sequence and biophysical properties (such as structural, functional, and spatial information, amino acid conservation, physicochemical variation, residue mobility, and thermodynamic stability) performed at Invitae indicates that this missense variant is not expected to disrupt KL protein function with a negative predictive value of 80%. In summary, the available evidence is currently insufficient to determine the role of this variant in disease. Therefore, it has been classified as a Variant of Uncertain Significance.

Ambry Genetics
Classification: Uncertain significance. Last evaluated: 2023-08-08. Review status: criteria provided, single submitter. Criteria: Ambry Variant Classification Scheme 2023. Collection method: clinical testing. Allele origin: germline.